The following is an entry in ClinVar:

NM_198904.4(GABRG2):c.632-5G>A

Gene: GABRG2 (gamma-aminobutyric acid type A receptor subunit gamma2; plus strand). Cytogenetic location: 5q34.
Variant type: single nucleotide variant.
Coding change: c.632-5G>A on transcript NM_198904.4 (MANE Select); 5 bases into the intron before coding-DNA position 632, G replaced by A.
Molecular consequence: intron variant.
Genome position (GRCh38, 1-based): chr5:162,103,884, G>A. VCF-style: chr5-162103884-G-A. GRCh37 (hg19) VCF-style: chr5-161530890-G-A.
Other names: c.347-5G>A (NM_001375349.1); c.752-5G>A (NM_001375343.1, NM_198903.2); c.632-5G>A (NM_001375344.1, NM_001375340.1, NM_001375341.1 and 2 more transcripts); c.212-5G>A (NM_001375350.1, NM_001375348.1); c.623-5G>A (NM_001375339.1); c.566-5G>A (NM_001375346.1, NM_001375345.1); c.545-5G>A (NM_001375347.1).
Identifiers: ClinVar variation 1028381 (VCV001028381.7), dbSNP rs1761614864, ClinGen allele CA1596365197.
Genomic context (GRCh38, chr5:162,103,884, plus strand): 5'-AAGATGGTTGCTACATATGCTAATTTATAATCATTTTTAATGTGAGCTTTCCTATCTCAC[G>A]GCAGATGGCTATCCACGTGAAGAAATTGTTTATCAATGGAAGCGAAGTTCTGTTGAAGTG-3'

ClinVar aggregate classification (germline): Uncertain significance. Review status: criteria provided, multiple submitters, no conflicts (2 of 4 stars). 5 submissions from 5 submitters: Uncertain significance (5). Last evaluated 2025-07-16.

Conditions:
EPILEPSY, CHILDHOOD ABSENCE, SUSCEPTIBILITY TO, 2 (ECA2). Identifiers: Orphanet 64280, MedGen C1843244, OMIM 607681.
Febrile seizures, familial, 8 (FEB8). Also called: CONVULSIONS, FAMILIAL FEBRILE, 8. Identifiers: Orphanet 36387, MedGen C1969810, MONDO:0011891, OMIM 607681.
Developmental and epileptic encephalopathy, 74. Also called: EPILEPTIC ENCEPHALOPATHY, EARLY INFANTILE, 74. Identifiers: MedGen C5193074, MONDO:0032725, OMIM 618396.

gnomAD v4.1: 1 of 1,613,782 alleles (0.000062%); highest among the groups gnomAD compares: Non-Finnish European, 0.000085%; no homozygotes.

Submissions (5):

GeneDx
Classification: Uncertain significance. Last evaluated: 2025-07-16. Review status: criteria provided, single submitter. Criteria: GeneDx Variant Classification Process June 2021. Collection method: clinical testing. Allele origin: germline. Affected: yes.
Comment: Not observed at significant frequency in large population cohorts (gnomAD); In silico analysis supports a deleterious effect on splicing; Has not been previously published as pathogenic or benign to our knowledge

Institute of Human Genetics, University of Leipzig Medical Center
Classification: Uncertain significance for Febrile seizures, familial, 8. Last evaluated: 2025-04-25. Review status: criteria provided, single submitter. Criteria: ACMG Guidelines, 2015. Collection method: clinical testing. Allele origin: unknown. Inheritance: Autosomal dominant inheritance. Affected: yes.
Comment: Criteria applied: PM2_SUP,PP3

Labcorp Genetics (formerly Invitae), Labcorp
Classification: Uncertain significance for Febrile seizures, familial, 8; EPILEPSY, CHILDHOOD ABSENCE, SUSCEPTIBILITY TO, 2. Last evaluated: 2025-04-21. Review status: criteria provided, single submitter. Criteria: Invitae Variant Classification Sherloc (09022015). Collection method: clinical testing. Allele origin: germline.
Comment: This sequence change falls in intron 5 of the GABRG2 gene. It does not directly change the encoded amino acid sequence of the GABRG2 protein. This variant is not present in population databases (gnomAD no frequency). This variant has not been reported in the literature in individuals affected with GABRG2-related conditions. ClinVar contains an entry for this variant (Variation ID: 1028381). Algorithms developed to predict the effect of sequence changes on RNA splicing suggest that this variant may disrupt the consensus splice site. In summary, the available evidence is currently insufficient to determine the role of this variant in disease. Therefore, it has been classified as a Variant of Uncertain Significance.

Blueprint Genetics
Classification: Uncertain significance. Last evaluated: 2023-07-13. Review status: criteria provided, single submitter. Criteria: ACMG Guidelines, 2015. Collection method: clinical testing. Allele origin: germline.

Baylor Genetics
Classification: Uncertain significance for Developmental and epileptic encephalopathy, 74. Last evaluated: 2020-01-17. Review status: criteria provided, single submitter. Criteria: ACMG Guidelines, 2015. Collection method: clinical testing. Allele origin: unknown. Affected: yes.
Comment: This variant was determined to be of uncertain significance according to ACMG Guidelines, 2015 [PMID:25741868].